The following is an entry in ClinVar:

NM_000551.4(VHL):c.340+10C>G

Gene: VHL (von Hippel-Lindau tumor suppressor; plus strand). Cytogenetic location: 3p25.3.
Variant type: single nucleotide variant.
Coding change: c.340+10C>G on transcript NM_000551.4 (MANE Select); 10 bases into the intron after coding-DNA position 340, C replaced by G.
Molecular consequence: intron variant.
Genome position (GRCh38, 1-based): chr3:10,142,197, C>G. VCF-style: chr3-10142197-C-G. GRCh37 (hg19) VCF-style: chr3-10183881-C-G.
Other names: c.340+10C>G (NM_001354723.2, NM_198156.3).
Identifiers: ClinVar variation 2164154 (VCV002164154.5), dbSNP rs777622214, ClinGen allele CA040367.

ClinVar aggregate classification (germline): Likely benign. Review status: criteria provided, multiple submitters, no conflicts (2 of 4 stars). 2 submissions from 2 submitters: Likely benign (2). Last evaluated 2026-01-27.

Conditions:
Von Hippel-Lindau syndrome (VHLS). Also called: von Hippel–Lindau syndrome; VHL syndrome; Von Hippel-Lindau. Identifiers: Orphanet 892, MedGen C0019562, MONDO:0008667, OMIM 193300. Disease mechanism: loss of function.
Chuvash polycythemia. Also called: POLYCYTHEMIA, VHL-DEPENDENT. Identifiers: Orphanet 238557, MedGen C1837915, MONDO:0009892, OMIM 263400.

Submissions (2):

Labcorp Genetics (formerly Invitae), Labcorp
Classification: Likely benign for Von Hippel-Lindau syndrome; Chuvash polycythemia. Last evaluated: 2026-01-27. Review status: criteria provided, single submitter. Criteria: Invitae Variant Classification Sherloc (09022015). Collection method: clinical testing. Allele origin: germline.

Myriad Genetics, Inc.
Classification: Likely benign for Von Hippel-Lindau syndrome. Last evaluated: 2025-06-11. Review status: criteria provided, single submitter. Criteria: Myriad Autosomal Dominant, Autosomal Recessive and X-Linked Classification Criteria (2023). Collection method: clinical testing. Allele origin: unknown.
Comment: This variant is considered likely benign. This variant is intronic and is not expected to impact mRNA splicing.